The following is an entry in ClinVar:

NM_000465.4(BARD1):c.1711G>T (p.Val571Leu)

Gene: BARD1 (BRCA1 associated RING domain 1; minus strand). Cytogenetic location: 2q35.
Variant type: single nucleotide variant.
Coding change: c.1711G>T on transcript NM_000465.4 (MANE Select); coding-DNA position 1711, G replaced by T.
Protein change: p.Val571Leu; replaces valine 571 with leucine.
Molecular consequence: missense variant. On other transcripts: non-coding transcript variant (3), intron variant (1).
Genome position (GRCh38, 1-based): chr2:214,745,821, C>A on the plus strand (G>T on the coding strand, the complement: BARD1 is on the minus strand). VCF-style: chr2-214745821-C-A. GRCh37 (hg19) VCF-style: chr2-215610545-C-A.
Other names: c.1654G>T, p.Val552Leu (NM_001282543.2); c.358G>T, p.Val120Leu (NM_001282545.2); c.301G>T, p.Val101Leu (NM_001282548.2); c.365-15313G>T (NM_001282549.2); c.1711G>T (NM_000465.2, NM_000465.3); short protein forms V101L, V571L, V120L, V552L.
Identifiers: ClinVar variation 2807171 (VCV002807171.5), dbSNP rs1397595827, ClinGen allele CA350453193.

ClinVar aggregate classification (germline): Uncertain significance. Review status: criteria provided, multiple submitters, no conflicts (2 of 4 stars). 3 submissions from 3 submitters: Uncertain significance (3). Last evaluated 2026-07-06.

Conditions:
Familial cancer of breast. Also called: BREAST CANCER, FAMILIAL; Hereditary breast cancer; hereditary breast carcinoma. Identifiers: Orphanet 227535, MedGen C0346153, MONDO:0016419, OMIM 114480. Disease mechanism: loss of function.
Hereditary cancer-predisposing syndrome. Also called: Hereditary Cancer Syndrome; Hereditary neoplastic syndrome; Neoplastic Syndromes, Hereditary; Tumor predisposition. Identifiers: Orphanet 140162, MedGen C0027672, MeSH D009386, MONDO:0015356.

Allele frequency attached by ClinVar (database versions not stated): TOPMed below 0.00001.

Submissions (3):

Ambry Genetics
Classification: Uncertain significance for Hereditary cancer-predisposing syndrome. Last evaluated: 2026-07-06. Review status: criteria provided, single submitter. Criteria: Ambry Variant Classification Scheme 2023. Collection method: clinical testing. Allele origin: germline.
Comment: The p.V571L variant (also known as c.1711G>T), located in coding exon 8 of the BARD1 gene, results from a G to T substitution at nucleotide position 1711. The valine at codon 571 is replaced by leucine, an amino acid with highly similar properties. This amino acid position is conserved. In addition, this alteration is predicted to be tolerated by in silico analysis. Based on the available evidence, the clinical significance of this variant remains unclear.

Labcorp Genetics (formerly Invitae), Labcorp
Classification: Uncertain significance for Familial cancer of breast. Last evaluated: 2025-06-27. Review status: criteria provided, single submitter. Criteria: Invitae Variant Classification Sherloc (09022015). Collection method: clinical testing. Allele origin: germline.
Comment: This sequence change replaces valine, which is neutral and non-polar, with leucine, which is neutral and non-polar, at codon 571 of the BARD1 protein (p.Val571Leu). This variant is not present in population databases (gnomAD no frequency). This variant has not been reported in the literature in individuals affected with BARD1-related conditions. ClinVar contains an entry for this variant (Variation ID: 2807171). An algorithm developed to predict the effect of missense changes on protein structure and function (PolyPhen-2) suggests that this variant is likely to be tolerated. In summary, the available evidence is currently insufficient to determine the role of this variant in disease. Therefore, it has been classified as a Variant of Uncertain Significance.

Quest Diagnostics Nichols Institute San Juan Capistrano
Classification: Uncertain significance. Last evaluated: 2024-06-07. Review status: criteria provided, single submitter. Criteria: Quest Diagnostics criteria. Collection method: clinical testing. Allele origin: unknown.
Comment: The BARD1 c.1711G>T (p.Val571Leu) variant has not been reported in individuals with BARD1-related conditions in the published literature. It also has not been reported in large, multi-ethnic general populations (Genome Aggregation Database). Analysis of this variant using bioinformatics tools for the prediction of the effect of amino acid changes on protein structure and function yielded predictions that this variant is benign. Based on the available information, we are unable to determine the clinical significance of this variant.